The following is an entry in ClinVar:

NM_021098.3(CACNA1H):c.4777+1G>T

Gene: CACNA1H (calcium voltage-gated channel subunit alpha1 H; plus strand). Cytogenetic location: 16p13.3.
Variant type: single nucleotide variant.
Coding change: c.4777+1G>T on transcript NM_021098.3 (MANE Select); the canonical splice donor site of the intron after coding-DNA position 4777, G replaced by T.
Molecular consequence: splice donor variant. On other transcripts: intron variant (1).
Genome position (GRCh38, 1-based): chr16:1,212,529, G>T. VCF-style: chr16-1212529-G-T. GRCh37 (hg19) VCF-style: chr16-1262529-G-T.
Other names: c.4759+391G>T (NM_001005407.2).
Identifiers: ClinVar variation 2026300 (VCV002026300.5), dbSNP rs1399951758, ClinGen allele CA394181533.
Genomic context (GRCh38, chr16:1,212,529, plus strand): 5'-CGCCACGCCCTCGGCCCTCAGACCATCTCCTTGTCTTTCCAGGCACTTTCCCCAGCCCAG[G>T]TACCGGCCCTGTCCCGCATGCCTCAGGCCCCGCTTCTGCGGCCGCTGCTCGGGGAAGGGC-3'

ClinVar aggregate classification (germline): Uncertain significance. Review status: criteria provided, multiple submitters, no conflicts (2 of 4 stars). 2 submissions from 2 submitters: Uncertain significance (2). Last evaluated 2024-09-30.

Conditions:
Idiopathic generalized epilepsy. Also called: Generalised epilepsy; EIG. Identifiers: MedGen C0270850, MONDO:0005579, OMIM 600669.
Hyperaldosteronism, familial, type IV (HALD4). Also called: FH IV; ALDOSTERONISM, PRIMARY, AND HYPERTENSION. Identifiers: Orphanet 642671, MedGen C4310756, MONDO:0014875, OMIM 617027.

Allele frequency attached by ClinVar (database versions not stated): gnomAD 0.00001; TOPMed 0.00001.

Submissions (2):

Labcorp Genetics (formerly Invitae), Labcorp
Classification: Uncertain significance for Idiopathic generalized epilepsy; Hyperaldosteronism, familial, type IV. Last evaluated: 2024-09-30. Review status: criteria provided, single submitter. Criteria: Invitae Variant Classification Sherloc (09022015). Collection method: clinical testing. Allele origin: germline.
Comment: This sequence change affects a donor splice site in intron 26 of the CACNA1H gene. It is expected to disrupt RNA splicing. Variants that disrupt the donor or acceptor splice site typically lead to a loss of protein function (PMID: 16199547), however the current clinical and genetic evidence is not sufficient to establish whether loss-of-function variants in CACNA1H cause disease. This variant is not present in population databases (gnomAD no frequency). This variant has not been reported in the literature in individuals affected with CACNA1H-related conditions. ClinVar contains an entry for this variant (Variation ID: 2026300). Algorithms developed to predict the effect of sequence changes on RNA splicing suggest that this variant may disrupt the consensus splice site. In summary, the available evidence is currently insufficient to determine the role of this variant in disease. Therefore, it has been classified as a Variant of Uncertain Significance.

GeneDx
Classification: Uncertain significance. Last evaluated: 2024-01-17. Review status: criteria provided, single submitter. Criteria: GeneDx Variant Classification Process June 2021. Collection method: clinical testing. Allele origin: germline. Affected: yes.
Comment: Not observed at significant frequency in large population cohorts (gnomAD); Canonical splice site variant predicted to result in an in-frame loss of the adjacent exon in a gene for which loss of function is not a known mechanism of disease; Has not been previously published as pathogenic or benign to our knowledge

Literature cited by the submitters: PubMed 16199547 (cited by Labcorp Genetics (formerly Invitae), Labcorp).